The following is an entry in ClinVar:

NM_000169.3(GLA):c.1102delinsTTATAC (p.Ala368fs)

Genes: GLA (galactosidase alpha; minus strand), RPL36A-HNRNPH2 (RPL36A-HNRNPH2 readthrough; plus strand). Cytogenetic location: Xq22.1.
Variant type: Indel.
Coding change: c.1102delinsTTATAC on transcript NM_000169.3 (MANE Select); coding-DNA position 1102, G replaced by TTATAC.
Protein change: p.Ala368fs; shifts the reading frame from alanine 368.
Molecular consequence: frameshift variant. On other transcripts: non-coding transcript variant (3), intron variant (2).
Genome position (GRCh38, 1-based): chrX:101,397,997, C replaced by GTATAA on the plus strand (G replaced by TTATAC on the coding strand, the reverse complement: GLA is on the minus strand). VCF-style: chrX-101397997-C-GTATAA. GRCh37 (hg19) VCF-style: chrX-100652985-C-GTATAA.
Other names: c.1225delinsTTATAC, p.Ala409fs (NM_001406747.1); c.300+2540delinsGTATAA (NM_001199973.2); c.177+6175delinsGTATAA (NM_001199974.2); short protein forms A368fs, A409fs.
Identifiers: ClinVar variation 4087063 (VCV004087063.3).

ClinVar aggregate classification (germline): Pathogenic. Review status: criteria provided, multiple submitters, no conflicts (2 of 4 stars). 2 submissions from 2 submitters: Pathogenic (2). Last evaluated 2026-09-08.

Conditions:
Fabry disease. Also called: ALPHA-GALACTOSIDASE A DEFICIENCY; ANDERSON-FABRY DISEASE; CERAMIDE TRIHEXOSIDASE DEFICIENCY; GLA DEFICIENCY; HEREDITARY DYSTOPIC LIPIDOSIS; Angiokeratoma corporis diffusum. Identifiers: Orphanet 324, MedGen C0002986, MONDO:0010526, OMIM 301500, HP:0001071. Disease mechanism: Fabry disease is due to inactivating mutations in the X-linked GLA gene resulting in deficiency of the enzyme Alpha Galactosidase-A., loss of function.

Submissions (2):

Genomenon, Inc
Classification: Pathogenic for Fabry disease. Last evaluated: 2026-09-08. Review status: criteria provided, single submitter. Criteria: Genomenon Sequence Variant Interpretation Standards - Updated. Collection method: curation. Allele origin: germline. Affected: yes.
Comment: GLA p.Ala368LeufsTer25 (c.1102delinsTTATAC) is a frameshift variant that is predicted to introduce a premature termination codon and result in a truncated or absent protein product. This variant has been observed in at least one proband with clinical features consistent with Fabry disease (PMID:12938095;36165155;28980669). Functional or patient cell studies have been reported (PMID:12938095). It is absent or not present at a significant frequency in gnomAD. In conclusion, we classify GLA p.Ala368LeufsTer25 (c.1102delinsTTATAC) as a pathogenic variant.

Serv. Biochemistry and Molecular genetics, Hospital Clinic de Barcelona, Hospital Clínic de Barcelona
Classification: Pathogenic for Fabry disease. Last evaluated: 2026-05-21. Review status: criteria provided, single submitter. Criteria: ACMG Guidelines, 2015. Collection method: clinical testing. Allele origin: germline. Inheritance: X-linked inheritance. Affected: yes. Observed: 1 variant allele.
Comment: Classification reported in the manuscript using ACMG criteria/in silico tools: Pathogenic. Variant type: Deletion/Insertion; amino acid change: p.Ala368LeufsX25. Criteria: PVS1, PM2, PS4,

Literature cited by the submitters: PubMed 12938095 (cited by Genomenon, Inc and Serv. Biochemistry and Molecular genetics, Hospital Clinic de Barcelona, Hospital Clínic de Barcelona); PubMed 36165155 (cited by Genomenon, Inc); PubMed 28980669 (cited by Genomenon, Inc).